The following is an entry in ClinVar:

NM_000057.4(BLM):c.1734A>T (p.Lys578Asn)

Gene: BLM (BLM RecQ like helicase; plus strand). Cytogenetic location: 15q26.1.
Variant type: single nucleotide variant.
Coding change: c.1734A>T on transcript NM_000057.4 (MANE Select); coding-DNA position 1734, A replaced by T.
Protein change: p.Lys578Asn; replaces lysine 578 with asparagine.
Molecular consequence: missense variant.
Genome position (GRCh38, 1-based): chr15:90,761,107, A>T. VCF-style: chr15-90761107-A-T. GRCh37 (hg19) VCF-style: chr15-91304337-A-T.
Other names: c.1734A>T, p.Lys578Asn (NM_001287246.2, NM_001287247.2); c.609A>T, p.Lys203Asn (NM_001287248.2); short protein forms K203N, K578N.
Identifiers: ClinVar variation 2705991 (VCV002705991.3), dbSNP rs1895974192, ClinGen allele CA393843732.
Genomic context (GRCh38, chr15:90,761,107, plus strand): 5'-AGATGACTTTGATGATGATGATGACTGGGAAGACATAATGCATAATTTAGCAGCCAGCAA[A>T]TCTTCCACAGCTGCCTATCAACCCATCAAGGAAGGTCGGCCAATTAAATCAGTATCAGAA-3'
Protein context (NP_000048.1, residues 568-588): EDIMHNLAAS[Lys578Asn]SSTAAYQPIK

ClinVar aggregate classification (germline): Uncertain significance (1 of 4 stars; one submission).

Conditions:
Bloom syndrome (BLM). Also called: Bloom-Torre-Machacek syndrome. Identifiers: Orphanet 125, MedGen C0005859, MONDO:0008876, OMIM 210900.

Submission:

Labcorp Genetics (formerly Invitae), Labcorp
Classification: Uncertain significance for Bloom syndrome. Last evaluated: 2023-12-28. Review status: criteria provided, single submitter. Criteria: Invitae Variant Classification Sherloc (09022015). Collection method: clinical testing. Allele origin: germline.
Comment: This sequence change replaces lysine, which is basic and polar, with asparagine, which is neutral and polar, at codon 578 of the BLM protein (p.Lys578Asn). This variant is not present in population databases (gnomAD no frequency). This variant has not been reported in the literature in individuals affected with BLM-related conditions. Advanced modeling of protein sequence and biophysical properties (such as structural, functional, and spatial information, amino acid conservation, physicochemical variation, residue mobility, and thermodynamic stability) performed at Invitae indicates that this missense variant is not expected to disrupt BLM protein function with a negative predictive value of 80%. RNA analysis performed to evaluate the impact of this missense change on mRNA splicing indicates it does not significantly alter splicing (Invitae). In summary, the available evidence is currently insufficient to determine the role of this variant in disease. Therefore, it has been classified as a Variant of Uncertain Significance.